The following is an entry in ClinVar:

ClinVar aggregate classification (germline): Uncertain significance. Review status: criteria provided, multiple submitters, no conflicts (2 of 4 stars). 2 submissions from 2 submitters: Uncertain significance (2). Last evaluated 2024-03-01.

Conditions:
Inborn genetic diseases. Identifiers: MedGen C0950123, MeSH D030342.

Allele frequency attached by ClinVar (database versions not stated): gnomAD 0.00001; TOPMed 0.00001.
gnomAD v4.1: 9 of 1,613,768 alleles (0.00056%); highest among the groups gnomAD compares: Non-Finnish European, 0.00068%; no homozygotes.

Submissions (2):

Ambry Genetics
Classification: Uncertain significance for Inborn genetic diseases. Last evaluated: 2024-03-01. Review status: criteria provided, single submitter. Criteria: Ambry Variant Classification Scheme 2023. Collection method: clinical testing. Allele origin: germline.

Labcorp Genetics (formerly Invitae), Labcorp
Classification: Uncertain significance. Last evaluated: 2022-07-19. Review status: criteria provided, single submitter. Criteria: Invitae Variant Classification Sherloc (09022015). Collection method: clinical testing. Allele origin: germline.
Comment: In summary, the available evidence is currently insufficient to determine the role of this variant in disease. Therefore, it has been classified as a Variant of Uncertain Significance. Algorithms developed to predict the effect of sequence changes on RNA splicing suggest that this variant may disrupt the consensus splice site. Algorithms developed to predict the effect of missense changes on protein structure and function are either unavailable or do not agree on the potential impact of this missense change (SIFT: "Deleterious"; PolyPhen-2: "Possibly Damaging"; Align-GVGD: "Class C0"). ClinVar contains an entry for this variant (Variation ID: 1440567). This variant has not been reported in the literature in individuals affected with CEP63-related conditions. This variant is not present in population databases (gnomAD no frequency). This sequence change replaces glutamic acid, which is acidic and polar, with aspartic acid, which is acidic and polar, at codon 691 of the CEP63 protein (p.Glu691Asp).

NM_001353108.3(CEP63):c.2073G>T (p.Glu691Asp)

Gene: CEP63 (centrosomal protein 63; plus strand). Cytogenetic location: 3q22.2.
Variant type: single nucleotide variant.
Coding change: c.2073G>T on transcript NM_001353108.3 (MANE Select); coding-DNA position 2073, G replaced by T.
Protein change: p.Glu691Asp; replaces glutamic acid 691 with aspartic acid.
Molecular consequence: missense variant. On other transcripts: non-coding transcript variant (4), intron variant (5).
Genome position (GRCh38, 1-based): chr3:134,561,496, G>T. VCF-style: chr3-134561496-G-T. GRCh37 (hg19) VCF-style: chr3-134280338-G-T.
Other names: c.2073G>T (NM_025180.3); c.1449G>T, p.Glu483Asp (NM_001042383.2, NM_001353119.2, NM_001353120.2 and 2 more transcripts); c.1587G>T, p.Glu529Asp (NM_001042400.3, NM_001353110.1, NM_001353111.2 and 1 more transcripts); c.1935G>T, p.Glu645Asp (NM_001353109.1); c.1476G>T, p.Glu492Asp (NM_001353118.1); c.1365G>T, p.Glu455Asp (NM_001353125.2); c.1086G>T, p.Glu362Asp (NM_001353126.2); c.2073G>T, p.Glu691Asp (NM_025180.5); and 2 more; short protein forms E362D, E529D, E691D, E483D, E492D, E455D, E645D.
Identifiers: ClinVar variation 1440567 (VCV001440567.7), dbSNP rs1174349808, ClinGen allele CA354634867.
Genomic context (GRCh38, chr3:134,561,496, plus strand): 5'-ACTGAGGTCTCATCACATTCTAGAGCGCTTGGATGCCCATATTGAAGAACTAAAAAGAGA[G>T]AGTGAAAAGACAGTGAGACAATTCACAGCCTTAAAGTAGCCTCTTAAAAAAATCACTATC-3'
Protein context (NP_001340037.1, residues 681-701): LDAHIEELKR[Glu691Asp]SEKTVRQFTA